The following is an entry in ClinVar:

NM_004356.4(CD81):c.699C>A (p.Ser233Arg)

Gene: CD81 (CD81 molecule; plus strand). Cytogenetic location: 11p15.5.
Variant type: single nucleotide variant.
Coding change: c.699C>A on transcript NM_004356.4 (MANE Select); coding-DNA position 699, C replaced by A.
Protein change: p.Ser233Arg; replaces serine 233 with arginine.
Molecular consequence: missense variant.
Genome position (GRCh38, 1-based): chr11:2,396,854, C>A. VCF-style: chr11-2396854-C-A. GRCh37 (hg19) VCF-style: chr11-2418084-C-A.
Other names: c.486C>A, p.Ser162Arg (NM_001297649.2); short protein forms S233R, S162R.
Identifiers: ClinVar variation 1485037 (VCV001485037.8), dbSNP rs2133468445, ClinGen allele CA379125541.

ClinVar aggregate classification (germline): Uncertain significance (1 of 4 stars; one submission).

Submission:

Labcorp Genetics (formerly Invitae), Labcorp
Classification: Uncertain significance. Last evaluated: 2021-01-03. Review status: criteria provided, single submitter. Criteria: Invitae Variant Classification Sherloc (09022015). Collection method: clinical testing. Allele origin: germline.
Comment: In summary, the available evidence is currently insufficient to determine the role of this variant in disease. Therefore, it has been classified as a Variant of Uncertain Significance. Algorithms developed to predict the effect of missense changes on protein structure and function are either unavailable or do not agree on the potential impact of this missense change (SIFT: "Tolerated"; PolyPhen-2: "Possibly Damaging"; Align-GVGD: "Class C0"). This variant has not been reported in the literature in individuals with CD81-related conditions. This variant is not present in population databases (ExAC no frequency). This sequence change replaces serine with arginine at codon 233 of the CD81 protein (p.Ser233Arg). The serine residue is moderately conserved and there is a moderate physicochemical difference between serine and arginine.